The following is an entry in ClinVar:

NM_033401.5(CNTNAP4):c.2367A>G (p.Arg789=)

Gene: CNTNAP4 (contactin associated protein family member 4; plus strand). Cytogenetic location: 16q23.1.
Variant type: single nucleotide variant.
Coding change: c.2367A>G on transcript NM_033401.5 (MANE Select); coding-DNA position 2367, A replaced by G.
Protein change: p.Arg789=; no amino-acid change (arginine 789 retained).
Molecular consequence: synonymous variant. On other transcripts: non-coding transcript variant (3).
Genome position (GRCh38, 1-based): chr16:76,521,141, A>G. VCF-style: chr16-76521141-A-G. GRCh37 (hg19) VCF-style: chr16-76555038-A-G.
Other names: c.2217A>G, p.Arg739= (NM_001322178.2); c.2367A>G, p.Arg789= (NM_001322179.2, NM_001322188.2); c.1980A>G, p.Arg660= (NM_001322180.2); c.2364A>G, p.Arg788= (NM_001322181.2); c.951A>G, p.Arg317= (NM_001322187.2); c.2103A>G, p.Arg701= (NM_001322189.2); c.2223A>G, p.Arg741= (NM_001322190.2); c.1440A>G, p.Arg480= (NM_001322191.2); and 1 more.
Identifiers: ClinVar variation 4994649 (VCV004994649.1).

ClinVar aggregate classification (germline): Likely benign (1 of 4 stars; one submission).

Conditions:
CNTNAP4-related disorder. Also called: CNTNAP4-related condition.

Submission:

PreventionGenetics, part of Exact Sciences
Classification: Likely benign for CNTNAP4-related condition. Last evaluated: 2025-11-20. Review status: criteria provided, single submitter. Criteria: ACMG Guidelines, 2015. Collection method: clinical testing. Allele origin: germline.
Comment: This variant is classified as likely benign based on ACMG/AMP sequence variant interpretation guidelines (Richards et al. 2015 PMID: 25741868, with internal and published modifications).